The following is an entry in ClinVar:

ClinVar aggregate classification (germline): Uncertain significance (1 of 4 stars; one submission).

Conditions:
Long QT syndrome (LQTS). Identifiers: MedGen C0023976, MeSH D008133, MONDO:0002442. Disease mechanism: loss of function. Inheritance: Various modes of inheritance.

Allele frequency attached by ClinVar (database versions not stated): gnomAD exomes below 0.00001.
gnomAD v4.1: 2 of 1,610,170 alleles (0.00012%); highest among the groups gnomAD compares: Non-Finnish European, 0.00017%; no homozygotes.

Submission:

Labcorp Genetics (formerly Invitae), Labcorp
Classification: Uncertain significance for Long QT syndrome. Last evaluated: 2025-01-16. Review status: criteria provided, single submitter. Criteria: Invitae Variant Classification Sherloc (09022015). Collection method: clinical testing. Allele origin: germline.
Comment: This sequence change replaces leucine, which is neutral and non-polar, with proline, which is neutral and non-polar, at codon 778 of the CACNA1C protein (p.Leu778Pro). This variant is not present in population databases (gnomAD no frequency). This variant has not been reported in the literature in individuals affected with CACNA1C-related conditions. ClinVar contains an entry for this variant (Variation ID: 411729). Invitae Evidence Modeling of protein sequence and biophysical properties (such as structural, functional, and spatial information, amino acid conservation, physicochemical variation, residue mobility, and thermodynamic stability) indicates that this missense variant is not expected to disrupt CACNA1C protein function with a negative predictive value of 95%. Experimental studies have shown that this missense change affects CACNA1C function (PMID: 19061337, 23145875). In summary, the available evidence is currently insufficient to determine the role of this variant in disease. Therefore, it has been classified as a Variant of Uncertain Significance.

Literature cited by the submitters: PubMed 19061337; PubMed 23145875.

NM_000719.7(CACNA1C):c.2333T>C (p.Leu778Pro)

Gene: CACNA1C (calcium voltage-gated channel subunit alpha1 C; plus strand). Cytogenetic location: 12p13.33.
Variant type: single nucleotide variant.
Coding change: c.2333T>C on transcript NM_000719.7 (MANE Select); coding-DNA position 2333, T replaced by C.
Protein change: p.Leu778Pro; replaces leucine 778 with proline.
Molecular consequence: missense variant.
Genome position (GRCh38, 1-based): chr12:2,584,611, T>C. VCF-style: chr12-2584611-T-C. GRCh37 (hg19) VCF-style: chr12-2693777-T-C.
Other names: c.2333T>C, p.Leu778Pro (NM_001129827.2, NM_001129829.2, NM_001129830.3 and 18 more transcripts); c.2324T>C, p.Leu775Pro (NM_001129844.2); short protein forms L778P, L775P.
Identifiers: ClinVar variation 411729 (VCV000411729.8), dbSNP rs1060503447, ClinGen allele CA16613708.
Genomic context (GRCh38, chr12:2,584,611, plus strand): 5'-ATGCTGAGAGCCTCACATCTGCCCAAAAGGAGGAGGAAGAGGAGAAGGAGAGAAAGAAGC[T>C]GGCCAGGTAACCCTCTAAGCTTGCCCAGGCCTGGGGCTCCAGGGCTCCCATTGTGGAATG-3'
Protein context (NP_000710.5, residues 768-788): EEEEEKERKK[Leu778Pro]ARTASPEKKQ